The following is an entry in ClinVar:

ClinVar aggregate classification (germline): Likely benign. Review status: criteria provided, multiple submitters, no conflicts (2 of 4 stars). 2 submissions from 2 submitters: Likely benign (2). Last evaluated 2025-05-26.

Conditions:
POLD1-related polyposis and colorectal cancer syndrome (CRCS10). Also called: Colorectal cancer, susceptibility to, 10; Colorectal cancer 10; COLORECTAL CANCER, SUSCEPTIBILITY TO, ON CHROMOSOME 19q. Identifiers: Orphanet 220460, MedGen C2675481, MONDO:0012953, OMIM 612591.

Allele frequency attached by ClinVar (database versions not stated): TOPMed below 0.00001; gnomAD 0.00001.
gnomAD v4.1: 3 of 1,608,296 alleles (0.00019%); highest among the groups gnomAD compares: East Asian, 0.0067%; no homozygotes.

Submissions (2):

Labcorp Genetics (formerly Invitae), Labcorp
Classification: Likely benign for POLD1-related polyposis and colorectal cancer syndrome. Last evaluated: 2025-05-26. Review status: criteria provided, single submitter. Criteria: Invitae Variant Classification Sherloc (09022015). Collection method: clinical testing. Allele origin: germline.

GeneDx
Classification: Likely benign. Last evaluated: 2016-09-21. Review status: criteria provided, single submitter. Criteria: GeneDx Variant Classification (06012015). Collection method: clinical testing. Allele origin: germline. Affected: yes.
Comment: This variant is considered likely benign or benign based on one or more of the following criteria: it is a conservative change, it occurs at a poorly conserved position in the protein, it is predicted to be benign by multiple in silico algorithms, and/or has population frequency not consistent with disease.

NM_002691.4(POLD1):c.15G>T (p.Arg5=)

Gene: POLD1 (DNA polymerase delta 1, catalytic subunit; plus strand). Cytogenetic location: 19q13.33.
Variant type: single nucleotide variant.
Coding change: c.15G>T on transcript NM_002691.4 (MANE Select); coding-DNA position 15, G replaced by T.
Protein change: p.Arg5=; no amino-acid change (arginine 5 retained).
Molecular consequence: synonymous variant. On other transcripts: non-coding transcript variant (1).
Genome position (GRCh38, 1-based): chr19:50,398,866, G>T. VCF-style: chr19-50398866-G-T. GRCh37 (hg19) VCF-style: chr19-50902123-G-T.
Other names: c.15G>T, p.Arg5= (NM_001256849.1, NM_001308632.1).
Identifiers: ClinVar variation 389551 (VCV000389551.10), dbSNP rs1057523464, ClinGen allele CA16609013.
Genomic context (GRCh38, chr19:50,398,866, plus strand): 5'-GTGTCTCCGGTCAGAACCTCCACCAAGCTCCAACTTGCCCAGCAGGATGGATGGCAAGCG[G>T]CGGCCAGGCCCAGGGCCCGGGGTGCCCCCAAAGCGGGCCCGTGGGGGCCTCTGGGATGAT-3'
Protein context (NP_002682.2, residues 1-15): MDGK[Arg5=]RPGPGPGVPP